The following is an entry in ClinVar:

ClinVar aggregate classification (germline): Uncertain significance (1 of 4 stars; one submission).

gnomAD v4.1: 10 of 1,613,884 alleles (0.00062%); highest among the groups gnomAD compares: African/African-American, 0.0013%; no homozygotes.

Submission:

Ambry Genetics
Classification: Uncertain significance. Last evaluated: 2026-07-01. Review status: criteria provided, single submitter. Criteria: Ambry Variant Classification Scheme 2023. Collection method: clinical testing. Allele origin: germline.
Comment: The p.R2161W variant (also known as c.6481C>T), located in coding exon 8 of the ZFHX3 gene, results from a C to T substitution at nucleotide position 6481. The arginine at codon 2161 is replaced by tryptophan, an amino acid with dissimilar properties. This amino acid position is conserved. In addition, this alteration is predicted to be deleterious by in silico analysis. Based on the available evidence, the clinical significance of this variant remains unclear.

NM_006885.4(ZFHX3):c.6481C>T (p.Arg2161Trp)

Genes: ZFHX3 (zinc finger homeobox 3; minus strand), ZFHX3-AS1 (ZFHX3 antisense RNA 1; plus strand). Cytogenetic location: 16q22.2.
Variant type: single nucleotide variant.
Coding change: c.6481C>T on transcript NM_006885.4 (MANE Select); coding-DNA position 6481, C replaced by T.
Protein change: p.Arg2161Trp; replaces arginine 2161 with tryptophan.
Molecular consequence: missense variant.
Genome position (GRCh38, 1-based): chr16:72,796,201, G>A on the plus strand (C>T on the coding strand, the complement: ZFHX3 is on the minus strand). VCF-style: chr16-72796201-G-A. GRCh37 (hg19) VCF-style: chr16-72830100-G-A.
Other names: c.3739C>T, p.Arg1247Trp (NM_001164766.2); c.6481C>T, p.Arg2161Trp (NM_001386735.1); short protein forms R2161W, R1247W.
Identifiers: ClinVar variation 5032116 (VCV005032116.1).